The following is an entry in ClinVar:

ClinVar aggregate classification (germline): Uncertain significance (1 of 4 stars; one submission).

Allele frequency attached by ClinVar (database versions not stated): gnomAD 0.00001; ExAC 0.00030.
gnomAD v4.1: 19 of 1,406,748 alleles (0.0014%); highest among the groups gnomAD compares: South Asian, 0.026%; no homozygotes.

Submission:

Women's Health and Genetics/Laboratory Corporation of America, LabCorp
Classification: Uncertain significance. Last evaluated: 2023-10-13. Review status: criteria provided, single submitter. Criteria: LabCorp Variant Classification Summary - May 2015. Collection method: clinical testing. Allele origin: germline.
Comment: Variant summary: CACNA1H c.280C>G (p.Leu94Val) results in a conservative amino acid change located in the ion transport domain (IPR005821) of the encoded protein sequence. Four of five in-silico tools predict a benign effect of the variant on protein function. The variant allele was found at a frequency of 5.7e-05 in 69736 control chromosomes (gnomAD). The available data on variant occurrences in the general population are insufficient to allow any conclusion about variant significance. To our knowledge, no occurrence of c.280C>G in individuals affected with Idiopathic Generalized Epilepsy and no experimental evidence demonstrating its impact on protein function have been reported. No submitters have cited clinical-significance assessments for this variant to ClinVar after 2014. Based on the evidence outlined above, the variant was classified as uncertain significance.

NM_021098.3(CACNA1H):c.280C>G (p.Leu94Val)

Gene: CACNA1H (calcium voltage-gated channel subunit alpha1 H; plus strand). Cytogenetic location: 16p13.3.
Variant type: single nucleotide variant.
Coding change: c.280C>G on transcript NM_021098.3 (MANE Select); coding-DNA position 280, C replaced by G.
Protein change: p.Leu94Val; replaces leucine 94 with valine.
Molecular consequence: missense variant.
Genome position (GRCh38, 1-based): chr16:1,154,017, C>G. VCF-style: chr16-1154017-C-G. GRCh37 (hg19) VCF-style: chr16-1204017-C-G.
Other names: c.280C>G, p.Leu94Val (NM_001005407.2); short protein forms L94V.
Identifiers: ClinVar variation 2637731 (VCV002637731.1), dbSNP rs753718656, ClinGen allele CA7799317.
Genomic context (GRCh38, chr16:1,154,017, plus strand): 5'-GCCTTGGCGGCCACGGTCTTCTTCTGCCTCGGTCAGACCACGCGGCCGCGCAGCTGGTGC[C>G]TCCGGCTGGTCTGCAACCCATATCCTTCCCGGCCGGCGGGGGGCGGGGGGCGGGGGGCGT-3'
Protein context (NP_066921.2, residues 84-104): GQTTRPRSWC[Leu94Val]RLVCNPWFEH